The following is an entry in ClinVar:

ClinVar aggregate classification (germline): Benign/Likely benign. Review status: criteria provided, multiple submitters, no conflicts (2 of 4 stars). 3 submissions from 3 submitters: Benign (1); Likely benign (2). Last evaluated 2025-01-29.

Conditions:
Hereditary nonpolyposis colorectal neoplasms. Identifiers: MedGen C0009405, MeSH D003123.
Hereditary cancer-predisposing syndrome. Also called: Hereditary Cancer Syndrome; Hereditary neoplastic syndrome; Neoplastic Syndromes, Hereditary; Tumor predisposition. Identifiers: Orphanet 140162, MedGen C0027672, MeSH D009386, MONDO:0015356.
Lynch syndrome 4 (LYNCH4). Also called: Colorectal cancer, hereditary nonpolyposis, type 4; Hereditary non-polyposis colorectal cancer, type 4. Identifiers: Orphanet 144, MedGen C1838333, MONDO:0013699, OMIM 614337. Disease mechanism: loss of function.

Submissions (3):

Myriad Genetics, Inc.
Classification: Benign for Lynch syndrome 4. Last evaluated: 2025-01-29. Review status: criteria provided, single submitter. Criteria: Myriad Autosomal Dominant, Autosomal Recessive and X-Linked Classification Criteria (2023). Collection method: clinical testing. Allele origin: unknown.
Comment: This variant is considered benign. This variant is a silent/synonymous amino acid change and it is not expected to impact splicing.

Labcorp Genetics (formerly Invitae), Labcorp
Classification: Likely benign for Hereditary nonpolyposis colorectal neoplasms. Last evaluated: 2024-11-06. Review status: criteria provided, single submitter. Criteria: Invitae Variant Classification Sherloc (09022015). Collection method: clinical testing. Allele origin: germline.

Ambry Genetics
Classification: Likely benign for Hereditary cancer-predisposing syndrome. Last evaluated: 2021-10-26. Review status: criteria provided, single submitter. Criteria: Ambry Variant Classification Scheme 2023. Collection method: clinical testing. Allele origin: germline.

NM_000535.7(PMS2):c.924G>A (p.Glu308=)

Gene: PMS2 (PMS1 homolog 2, mismatch repair system component; minus strand). Cytogenetic location: 7p22.1.
Variant type: single nucleotide variant.
Coding change: c.924G>A on transcript NM_000535.7 (MANE Select); coding-DNA position 924, G replaced by A.
Protein change: p.Glu308=; no amino-acid change (glutamic acid 308 retained).
Molecular consequence: synonymous variant. On other transcripts: 5 prime UTR variant (2), non-coding transcript variant (1), intron variant (1).
Genome position (GRCh38, 1-based): chr7:5,992,037, C>T on the plus strand (G>A on the coding strand, the complement: PMS2 is on the minus strand). VCF-style: chr7-5992037-C-T. GRCh37 (hg19) VCF-style: chr7-6031668-C-T.
Other names: c.519G>A, p.Glu173= (NM_001018040.1, NM_001322003.2, NM_001322004.2 and 20 more transcripts); c.924G>A, p.Glu308= (NM_001322006.2, NM_001322014.2, NM_001406870.1 and 2 more transcripts); c.606G>A, p.Glu202= (NM_001322007.2, NM_001322008.2, NM_001406876.1 and 4 more transcripts); c.-10G>A (NM_001322011.2, NM_001322012.2); c.351G>A, p.Glu117= (NM_001322013.2, NM_001406909.1); c.615G>A, p.Glu205= (NM_001322015.2, NM_001406875.1, NM_001406877.1 and 6 more transcripts); c.1110G>A, p.Glu370= (NM_001406866.1); c.948G>A, p.Glu316= (NM_001406868.1); and 8 more.
Identifiers: ClinVar variation 1766323 (VCV001766323.5), dbSNP rs114185660, ClinGen allele CA453645343.